The following is an entry in ClinVar:

ClinVar aggregate classification (germline): Likely pathogenic (1 of 4 stars; one submission).

Conditions:
Neurodevelopmental disorder with or without variable brain abnormalities; NEDBA. Also called: NEURODEVELOPMENTAL DISORDER WITH OR WITHOUT VARIABLE BRAIN ABNORMALITIES. Identifiers: MedGen C5193102, MONDO:0032755, OMIM 618443.

Submission:

Greenwood Genetic Center Diagnostic Laboratories, Greenwood Genetic Center
Classification: Likely pathogenic for Neurodevelopmental disorder with or without variable brain abnormalities; NEDBA. Last evaluated: 2026-04-13. Review status: criteria provided, single submitter. Criteria: ACMG Guidelines, 2015. Collection method: clinical testing. Allele origin: germline. Affected: yes.
Comment: PVS1, PM2

NM_001318852.2(MAPK8IP3):c.2139_2154del (p.Val714fs)

Gene: MAPK8IP3 (mitogen-activated protein kinase 8 interacting protein 3; plus strand). Cytogenetic location: 16p13.3.
Variant type: Deletion.
Coding change: c.2139_2154del on transcript NM_001318852.2 (MANE Select); coding-DNA positions 2139 to 2154, 16 bases deleted (CGTCAACCTGAGCGGG).
Protein change: p.Val714fs; shifts the reading frame from valine 714.
Molecular consequence: frameshift variant.
Genome position (GRCh38, 1-based): chr16:1,764,318-1,764,333, CGTCAACCTGAGCGGG deleted; deleting any 16 consecutive bases within chr16:1,764,313-1,764,333 gives the same sequence; the c. name uses the placement nearest the transcript's 3' end. VCF-style (leftmost placement, unchanged base first): chr16-1764312-CGCGGGCGTCAACCTGA-C. GRCh37 (hg19) VCF-style: chr16-1814313-CGCGGGCGTCAACCTGA-C.
Other names: c.2118_2133del, p.Val707fs (NM_001040439.2); c.2136_2151del, p.Val713fs (NM_015133.5); short protein forms V707fs, V713fs, V714fs.
Identifiers: ClinVar variation 4891216 (VCV004891216.1).
Genomic context (GRCh38, chr16:1,764,312, plus strand): 5'-GGAGGCTGGGGAGTGCCGGTGACACCCGACCTCGGCCCTGCCCTTGCAGCTGTGGTGTGC[CGCGGGCGTCAACCTGA>C]GCGGGTGGAGGCCCAATGAGGACGACGCTGGGAATGGAGTCAAGCCAGCGCCAGGCCGCG-3'